The following is an entry in ClinVar:

ClinVar aggregate classification (germline): Likely benign (1 of 4 stars; one submission).

Allele frequency attached by ClinVar (database versions not stated): 1000 Genomes Project 30x 0.00671; 1000 Genomes Project 0.00679; TOPMed 0.01278; gnomAD 0.01392 and 0.01396.
gnomAD v4.1: 2,113 of 152,346 alleles (1.4%); highest among the groups gnomAD compares: Non-Finnish European, 1.9%; 23 homozygotes.

Submission:

GeneDx
Classification: Likely benign. Last evaluated: 2018-06-19. Review status: criteria provided, single submitter. Criteria: GeneDx Variant Classification (06012015). Collection method: clinical testing. Allele origin: germline. Affected: yes.
Comment: This variant is considered likely benign or benign based on one or more of the following criteria: it is a conservative change, it occurs at a poorly conserved position in the protein, it is predicted to be benign by multiple in silico algorithms, and/or has population frequency not consistent with disease.

NM_018718.3(CEP41):c.208-173T>C

Gene: CEP41 (centrosomal protein 41; minus strand). Cytogenetic location: 7q32.2.
Variant type: single nucleotide variant.
Coding change: c.208-173T>C on transcript NM_018718.3 (MANE Select); 173 bases into the intron before coding-DNA position 208, T replaced by C.
Molecular consequence: intron variant.
Genome position (GRCh38, 1-based): chr7:130,411,364, A>G on the plus strand (T>C on the coding strand, the complement: CEP41 is on the minus strand). VCF-style: chr7-130411364-A-G. GRCh37 (hg19) VCF-style: chr7-130051205-A-G.
Other names: c.160-173T>C (NM_001257159.2); c.208-173T>C (NM_001257158.2).
Identifiers: ClinVar variation 677626 (VCV000677626.1), dbSNP rs78746121, ClinGen allele CA166908836.